The following is an entry in ClinVar:

NM_000719.7(CACNA1C):c.107C>T (p.Ala36Val)

Gene: CACNA1C (calcium voltage-gated channel subunit alpha1 C; plus strand). Cytogenetic location: 12p13.33.
Variant type: single nucleotide variant.
Coding change: c.107C>T on transcript NM_000719.7 (MANE Select); coding-DNA position 107, C replaced by T.
Protein change: p.Ala36Val; replaces alanine 36 with valine.
Molecular consequence: missense variant.
Genome position (GRCh38, 1-based): chr12:2,115,281, C>T. VCF-style: chr12-2115281-C-T. GRCh37 (hg19) VCF-style: chr12-2224447-C-T.
Other names: c.107C>T, p.Ala36Val (NM_001129827.2, NM_001129829.2, NM_001129830.3 and 19 more transcripts); short protein forms A36V.
Identifiers: ClinVar variation 264470 (VCV000264470.18), dbSNP rs755028000, ClinGen allele CA6388390.

ClinVar aggregate classification (germline): Conflicting classifications of pathogenicity. Review status: criteria provided, conflicting classifications (1 of 4 stars). 4 submissions from 4 submitters: Uncertain significance (2); Benign (1); Likely benign (1). Last evaluated 2026-08-26.

Conditions:
CACNA1C-related disorder. Also called: CACNA1C-related disorders; CACNA1C-related condition. Identifiers: MedGen CN381092, MONDO:0700321.
Cardiovascular phenotype. Identifiers: MedGen CN230736.
Long QT syndrome (LQTS). Identifiers: MedGen C0023976, MeSH D008133, MONDO:0002442. Disease mechanism: loss of function. Inheritance: Various modes of inheritance.

Allele frequency attached by ClinVar (database versions not stated): TOPMed 0.00003; ExAC 0.00002; gnomAD 0.00005.
gnomAD v4.1: 30 of 1,589,114 alleles (0.0019%); highest among the groups gnomAD compares: Non-Finnish European, 0.0024%; no homozygotes.

Submissions (4):

PreventionGenetics, part of Exact Sciences
Classification: Uncertain significance for CACNA1C-related condition. Last evaluated: 2026-08-26. Review status: criteria provided, single submitter. Criteria: ACMG Guidelines, 2015. Collection method: clinical testing. Allele origin: germline.
Comment: The CACNA1C c.107C>T variant is predicted to result in the amino acid substitution p.Ala36Val. This variant has been reported as a de novo variant in individuals with schizophrenia and/or autism spectrum disorder (Wang et al. 2022. PubMed ID: 35220405; Supplemental Table 20, Fu et al. 2022. PubMed ID: 35982160; Lo et al. 2022. PubMed ID: 36271890). In silico and structural analysis predict that this variant adversely affects channel function (Wang et al. 2022. PubMed ID: 35220405; Lo et al. 2022. PubMed ID: 36271890). Ion channel disorders, specifically those that impact calcium influx like this variant, are critical for proper neurotransmitter function and have been associated with multiple forms of neurodevelopmental disorders (Shi et al. 2026. PubMed ID: 41761984). This variant is reported in 0.0056% of alleles in individuals of European (non-Finnish) descent in gnomAD and has conflicting classifications in ClinVar, ranging from benign to uncertain (Variation ID: 264470). At this time, the clinical significance of this variant is uncertain due to the absence of conclusive functional and genetic evidence.

Labcorp Genetics (formerly Invitae), Labcorp
Classification: Benign for Long QT syndrome. Last evaluated: 2025-12-08. Review status: criteria provided, single submitter. Criteria: Invitae Variant Classification Sherloc (09022015). Collection method: clinical testing. Allele origin: germline.

Ambry Genetics
Classification: Likely benign for Cardiovascular phenotype. Last evaluated: 2025-02-21. Review status: criteria provided, single submitter. Criteria: Ambry Variant Classification Scheme 2023. Collection method: clinical testing. Allele origin: germline.

GeneDx
Classification: Uncertain significance. Last evaluated: 2022-11-17. Review status: criteria provided, single submitter. Criteria: GeneDx Variant Classification Process June 2021. Collection method: clinical testing. Allele origin: germline. Affected: yes.
Comment: Identified as de novo in one individual with schizophrenia in a large scale whole exome sequencing study (Wang et al., 2022); In silico analysis supports that this missense variant does not alter protein structure/function; This variant is associated with the following publications: (PMID: 35220405)